The following is an entry in ClinVar:

NC_000015.9:g.(?_44877814)_(44881632_?)dup

Gene: SPG11 (SPG11 vesicle trafficking associated, spatacsin; minus strand). Cytogenetic location: 15q21.1.
Variant type: Duplication.
Identifiers: ClinVar variation 1401767 (VCV001401767.5).

ClinVar aggregate classification (germline): Pathogenic (1 of 4 stars; one submission).

Conditions:
Hereditary spastic paraplegia 11. Also called: Nakamura Osame syndrome; Autosomal recessive hereditary spastic paraplegia, mental impairment, and thin corpus callosum; Spastic Paraplegia 11; SPASTIC PARAPLEGIA, AUTOSOMAL RECESSIVE, COMPLICATED, WITH THIN CORPUS CALLOSUM; SPASTIC PARAPLEGIA, AUTOSOMAL RECESSIVE, WITH MENTAL IMPAIRMENT AND THIN CORPUS CALLOSUM; Spastic paraplegia, mental retardation and thin corpus callosum. Identifiers: Orphanet 2822, MedGen C1858479, MONDO:0011445, OMIM 604360.

Submission:

Labcorp Genetics (formerly Invitae), Labcorp
Classification: Pathogenic for Hereditary spastic paraplegia 11. Last evaluated: 2023-12-22. Review status: criteria provided, single submitter. Criteria: Invitae Variant Classification Sherloc (09022015). Collection method: clinical testing. Allele origin: germline.
Comment: This variant results in a copy number gain of the genomic region encompassing exon(s) 28-29 of the SPG11 gene. While the exact position of this variant cannot be determined from the data, sub-genic copy number gains are generally in tandem (PMID: 25640679). This variant is predicted to be in-frame, and likely preserves the integrity of the reading frame. A similar copy number variant has been observed in individuals with autosomal recessive hereditary spastic paraplegia (PMID: 27071356, 30778698, 36139378). For these reasons, this variant has been classified as Pathogenic.

Literature cited by the submitters: PubMed 25640679; PubMed 27071356; PubMed 30778698; PubMed 36139378.